The following is an entry in ClinVar:

NM_001286577.2(C2CD3):c.5462C>T (p.Ser1821Phe)

Gene: C2CD3 (C2 domain containing 3 centriole elongation regulator; minus strand). Cytogenetic location: 11q13.4.
Variant type: single nucleotide variant.
Coding change: c.5462C>T on transcript NM_001286577.2 (MANE Select); coding-DNA position 5462, C replaced by T.
Protein change: p.Ser1821Phe; replaces serine 1821 with phenylalanine.
Molecular consequence: missense variant.
Genome position (GRCh38, 1-based): chr11:74,048,238, G>A on the plus strand (C>T on the coding strand, the complement: C2CD3 is on the minus strand). VCF-style: chr11-74048238-G-A. GRCh37 (hg19) VCF-style: chr11-73759283-G-A.
Other names: c.5462C>T, p.Ser1821Phe (NM_015531.6); short protein forms S1821F.
Identifiers: ClinVar variation 2006668 (VCV002006668.4), dbSNP rs886580617, ClinGen allele CA224512984.

ClinVar aggregate classification (germline): Uncertain significance (1 of 4 stars; one submission).

Submission:

Labcorp Genetics (formerly Invitae), Labcorp
Classification: Uncertain significance. Last evaluated: 2022-09-19. Review status: criteria provided, single submitter. Criteria: Invitae Variant Classification Sherloc (09022015). Collection method: clinical testing. Allele origin: germline.
Comment: Advanced modeling of protein sequence and biophysical properties (such as structural, functional, and spatial information, amino acid conservation, physicochemical variation, residue mobility, and thermodynamic stability) performed at Invitae indicates that this missense variant is not expected to disrupt C2CD3 protein function. In summary, the available evidence is currently insufficient to determine the role of this variant in disease. Therefore, it has been classified as a Variant of Uncertain Significance. This sequence change replaces serine, which is neutral and polar, with phenylalanine, which is neutral and non-polar, at codon 1821 of the C2CD3 protein (p.Ser1821Phe). This variant is not present in population databases (gnomAD no frequency). This variant has not been reported in the literature in individuals affected with C2CD3-related conditions.